The following is an entry in ClinVar:

NM_001252.5(CD70):c.322A>G (p.Ile108Val)

Gene: CD70 (CD70 molecule; minus strand). Cytogenetic location: 19p13.3.
Variant type: single nucleotide variant.
Coding change: c.322A>G on transcript NM_001252.5 (MANE Select); coding-DNA position 322, A replaced by G.
Protein change: p.Ile108Val; replaces isoleucine 108 with valine.
Molecular consequence: missense variant.
Genome position (GRCh38, 1-based): chr19:6,586,280, T>C on the plus strand (A>G on the coding strand, the complement: CD70 is on the minus strand). VCF-style: chr19-6586280-T-C. GRCh37 (hg19) VCF-style: chr19-6586291-T-C.
Other names: c.322A>G, p.Ile108Val (NM_001330332.2); short protein forms I108V.
Identifiers: ClinVar variation 4082402 (VCV004082402.2).

ClinVar aggregate classification (germline): Uncertain significance (1 of 4 stars; one submission).

Submission:

Genetic Services Laboratory, University of Chicago
Classification: Uncertain significance. Last evaluated: 2024-10-08. Review status: criteria provided, single submitter. Criteria: ACMG Guidelines, 2015. Collection method: clinical testing. Allele origin: germline. Affected: no.
Comment: DNA sequence analysis of the CD70 gene demonstrated a sequence change, c.322A>G, in exon 3 that results in an amino acid change, p.Ile108Val. This sequence change does not appear to have been previously described in individuals with CD70-related disorders. This sequence change has been described in the gnomAD database with a frequency of 0.023% in the overall population (dbSNP rs201305066). The p.Ile108Val change affects a highly conserved amino acid residue located in a domain of the CD70 protein that is known to be functional. In-silico pathogenicity prediction tools (SIFT, PolyPhen2, Align GVGD, REVEL) provide contradictory results for the p.Ile108Val substitution. Due to insufficient evidences and the lack of functional studies, the clinical significance of the p.Ile108Val change remains unknown at this time.